The following is an entry in ClinVar:

ClinVar aggregate classification (germline): Uncertain significance. Review status: criteria provided, multiple submitters, no conflicts (2 of 4 stars). 2 submissions from 2 submitters: Uncertain significance (2). Last evaluated 2024-05-21.

Conditions:
Hypertrophic cardiomyopathy 1 (CMH1). Also called: MYH7-Related Familial Hypertrophic Cardiomyopathy; Familial hypertrophic cardiomyopathy 1. Identifiers: MedGen C3495498, MONDO:0008647, OMIM 192600.

Allele frequency attached by ClinVar (database versions not stated): gnomAD 0.00001; 1000 Genomes Project 30x 0.00016; 1000 Genomes Project 0.00020.
gnomAD v4.1: 6 of 1,614,144 alleles (0.00037%); highest among the groups gnomAD compares: Admixed American, 0.0017%; no homozygotes.

Submissions (2):

Labcorp Genetics (formerly Invitae), Labcorp
Classification: Uncertain significance for Hypertrophic cardiomyopathy 1. Last evaluated: 2024-05-21. Review status: criteria provided, single submitter. Criteria: Invitae Variant Classification Sherloc (09022015). Collection method: clinical testing. Allele origin: germline.
Comment: This sequence change replaces threonine, which is neutral and polar, with isoleucine, which is neutral and non-polar, at codon 505 of the MYLK2 protein (p.Thr505Ile). This variant is present in population databases (rs144359857, gnomAD 0.006%). This variant has not been reported in the literature in individuals affected with MYLK2-related conditions. ClinVar contains an entry for this variant (Variation ID: 1034857). Advanced modeling of protein sequence and biophysical properties (such as structural, functional, and spatial information, amino acid conservation, physicochemical variation, residue mobility, and thermodynamic stability) performed at Invitae indicates that this missense variant is not expected to disrupt MYLK2 protein function with a negative predictive value of 80%. In summary, the available evidence is currently insufficient to determine the role of this variant in disease. Therefore, it has been classified as a Variant of Uncertain Significance.

Clinical Genomics Laboratory, Stanford Medicine
Classification: Uncertain significance for Hypertrophic cardiomyopathy 1. Last evaluated: 2021-06-11. Review status: criteria provided, single submitter. Criteria: ACMG Guidelines, 2015. Collection method: clinical testing. Allele origin: germline. Affected: yes. Observed: 1 heterozygote.
Comment: The p.Thr505Ile variant in the MYLK2 gene has not been previously reported in association with disease. This variant has been identified in 4/251,486 chromosomes by the Genome Aggregation Database. Although this variant has been seen in the general population, its frequency is low enough to be consistent with the prevalence of hypertrophic cardiomyopathy. Computational tools do not predict that the p.Thr505Ile variant impacts protein function; however, the accuracy of in silico algorithms is limited. These data were assessed using the ACMG/AMP variant interpretation guidelines. In summary, the significance of the p.Thr505Ile variant is uncertain. Additional information is needed to resolve the significance of this variant. [ACMG evidence codes used: PM2]

NM_033118.4(MYLK2):c.1514C>T (p.Thr505Ile)

Gene: MYLK2 (myosin light chain kinase 2; plus strand). Cytogenetic location: 20q11.21.
Variant type: single nucleotide variant.
Coding change: c.1514C>T on transcript NM_033118.4 (MANE Select); coding-DNA position 1514, C replaced by T.
Protein change: p.Thr505Ile; replaces threonine 505 with isoleucine.
Molecular consequence: missense variant.
Genome position (GRCh38, 1-based): chr20:31,831,792, C>T. VCF-style: chr20-31831792-C-T. GRCh37 (hg19) VCF-style: chr20-30419595-C-T.
Other names: p.Thr505Ile; c.1514C>T (NM_033118.3); short protein forms T505I.
Identifiers: ClinVar variation 1034857 (VCV001034857.10), dbSNP rs144359857, ClinGen allele CA9803244.